The following is an entry in ClinVar:

ClinVar aggregate classification (germline): Pathogenic (1 of 4 stars; one submission).

Conditions:
Inborn genetic diseases. Identifiers: MedGen C0950123, MeSH D030342.

Submission:

Ambry Genetics
Classification: Pathogenic for Inborn genetic diseases. Last evaluated: 2026-04-16. Review status: criteria provided, single submitter. Criteria: Ambry Variant Classification Scheme 2023. Collection method: clinical testing. Allele origin: germline.
Comment: The c.1005dupA (p.V336Sfs*3) alteration, located in exon 7 (coding exon 7) of the ZNF292 gene, consists of a duplication of A at position 1005, causing a translational frameshift with a predicted alternate stop codon after 3 amino acids. This variant is not expected to trigger nonsense-mediated mRNA decay, and impacts the last 88% of the protein. However, premature stop codons are typically deleterious in nature and a significant portion of the protein is affected (Ambry internal data). This variant was not reported in population-based cohorts in the Genome Aggregation Database (gnomAD). Based on the available evidence, this alteration is classified as pathogenic.

NM_015021.3(ZNF292):c.1005dup (p.Val336fs)

Gene: ZNF292 (zinc finger protein 292; plus strand). Cytogenetic location: 6q14.3.
Variant type: Duplication.
Coding change: c.1005dup on transcript NM_015021.3 (MANE Select); coding-DNA position 1005, one base duplicated (A; older notation c.1005dupA).
Protein change: p.Val336fs; shifts the reading frame from valine 336.
Molecular consequence: frameshift variant.
Genome position (GRCh38, 1-based): chr6:87,245,629, A duplicated; the last of 3 consecutive A bases (chr6:87,245,627-87,245,629); duplicating any one gives the same sequence. VCF-style (leftmost placement, unchanged base first): chr6-87245626-T-TA. GRCh37 (hg19) VCF-style: chr6-87955344-T-TA.
Other names: c.585dup, p.Val196fs (NM_001351444.2); short protein forms V196fs, V336fs.
Identifiers: ClinVar variation 4866933 (VCV004866933.1).